The following is an entry in ClinVar:

NM_014391.3(ANKRD1):c.621T>A (p.Asn207Lys)

Gene: ANKRD1 (ankyrin repeat domain 1; minus strand). Cytogenetic location: 10q23.31.
Variant type: single nucleotide variant.
Coding change: c.621T>A on transcript NM_014391.3 (MANE Select); coding-DNA position 621, T replaced by A.
Protein change: p.Asn207Lys; replaces asparagine 207 with lysine.
Molecular consequence: missense variant.
Genome position (GRCh38, 1-based): chr10:90,916,201, A>T on the plus strand (T>A on the coding strand, the complement: ANKRD1 is on the minus strand). VCF-style: chr10-90916201-A-T. GRCh37 (hg19) VCF-style: chr10-92675958-A-T.
Other names: short protein forms N207K.
Identifiers: ClinVar variation 3226307 (VCV003226307.2), dbSNP rs1245541899, ClinGen allele CA377550687.

ClinVar aggregate classification (germline): Uncertain significance. Review status: criteria provided, multiple submitters, no conflicts (2 of 4 stars). 2 submissions from 2 submitters: Uncertain significance (2). Last evaluated 2025-06-18.

Conditions:
Cardiovascular phenotype. Identifiers: MedGen CN230736.
ANKRD1-related dilated cardiomyopathy. Identifiers: MedGen CN119551.

Allele frequency attached by ClinVar (database versions not stated): gnomAD exomes 0.00001.
gnomAD v4.1: 4 of 1,614,060 alleles (0.00025%); highest among the groups gnomAD compares: Admixed American, 0.0067%; no homozygotes.

Submissions (2):

Labcorp Genetics (formerly Invitae), Labcorp
Classification: Uncertain significance for ANKRD1-related dilated cardiomyopathy. Last evaluated: 2025-06-18. Review status: criteria provided, single submitter. Criteria: Invitae Variant Classification Sherloc (09022015). Collection method: clinical testing. Allele origin: germline.
Comment: This sequence change replaces asparagine, which is neutral and polar, with lysine, which is basic and polar, at codon 207 of the ANKRD1 protein (p.Asn207Lys). This variant is present in population databases (no rsID available, gnomAD 0.006%). This variant has not been reported in the literature in individuals affected with ANKRD1-related conditions. ClinVar contains an entry for this variant (Variation ID: 3226307). Invitae Evidence Modeling of protein sequence and biophysical properties (such as structural, functional, and spatial information, amino acid conservation, physicochemical variation, residue mobility, and thermodynamic stability) indicates that this missense variant is not expected to disrupt ANKRD1 protein function with a negative predictive value of 80%. In summary, the available evidence is currently insufficient to determine the role of this variant in disease. Therefore, it has been classified as a Variant of Uncertain Significance.

Ambry Genetics
Classification: Uncertain significance for Cardiovascular phenotype. Last evaluated: 2024-01-03. Review status: criteria provided, single submitter. Criteria: Ambry Variant Classification Scheme 2023. Collection method: clinical testing. Allele origin: germline.
Comment: The p.N207K variant (also known as c.621T>A), located in coding exon 6 of the ANKRD1 gene, results from a T to A substitution at nucleotide position 621. The asparagine at codon 207 is replaced by lysine, an amino acid with similar properties. This amino acid position is conserved. In addition, this alteration is predicted to be tolerated by in silico analysis. Since supporting evidence is limited at this time, the clinical significance of this alteration remains unclear.